The following is an entry in ClinVar:

NM_000016.6(ACADM):c.813A>C (p.Lys271Asn)

Gene: ACADM (acyl-CoA dehydrogenase medium chain; plus strand). Cytogenetic location: 1p31.1.
Variant type: single nucleotide variant.
Coding change: c.813A>C on transcript NM_000016.6 (MANE Select); coding-DNA position 813, A replaced by C.
Protein change: p.Lys271Asn; replaces lysine 271 with asparagine.
Molecular consequence: missense variant.
Genome position (GRCh38, 1-based): chr1:75,749,523, A>C. VCF-style: chr1-75749523-A-C. GRCh37 (hg19) VCF-style: chr1-76215208-A-C.
Other names: c.825A>C, p.Lys275Asn (NM_001127328.3); c.705A>C, p.Lys235Asn (NM_001286042.2); c.912A>C, p.Lys304Asn (NM_001286043.2); c.246A>C, p.Lys82Asn (NM_001286044.2); short protein forms K235N, K271N, K275N, K304N, K82N.
Identifiers: ClinVar variation 2438804 (VCV002438804.4), dbSNP rs1648083262, ClinGen allele CA340816760.
Genomic context (GRCh38, chr1:75,749,523, plus strand): 5'-CTTCGAAGATGTGAAAGTGCCTAAAGAAAATGTTTTAATTGGTGACGGAGCTGGTTTCAA[A>C]GTTGCAATGGGAGCTTTTGATAAAACCAGACCTGTAGTAAGTAATATGGGTTCATAATCT-3'
Protein context (NP_000007.1, residues 261-281): NVLIGDGAGF[Lys271Asn]VAMGAFDKTR

ClinVar aggregate classification (germline): Uncertain significance. Review status: criteria provided, multiple submitters, no conflicts (2 of 4 stars). 2 submissions from 2 submitters: Uncertain significance (2). Last evaluated 2022-12-30.

Conditions:
ACADM-related disorder. Also called: ACADM-related condition.
Medium-chain acyl-coenzyme A dehydrogenase deficiency (ACADMD). Also called: ACADM DEFICIENCY; CARNITINE DEFICIENCY SECONDARY TO MEDIUM-CHAIN ACYL-CoA DEHYDROGENASE DEFICIENCY; MCADH DEFICIENCY; MCADD; Medium chain acyl-CoA dehydrogenase deficiency; MCAD Deficiency. Identifiers: Orphanet 42, MedGen C0220710, MONDO:0008721, OMIM 201450.

Allele frequency attached by ClinVar (database versions not stated): gnomAD exomes below 0.00001; TOPMed below 0.00001.
gnomAD v4.1: 1 of 1,614,112 alleles (0.000062%); highest among the groups gnomAD compares: Non-Finnish European, 0.000085%; no homozygotes.

Submissions (2):

PreventionGenetics, part of Exact Sciences
Classification: Uncertain significance for ACADM-related condition. Last evaluated: 2022-12-30. Review status: criteria provided, single submitter. Criteria: ACMG Guidelines, 2015. Collection method: clinical testing. Allele origin: germline.
Comment: The ACADM c.813A>C variant is predicted to result in the amino acid substitution p.Lys271Asn. To our knowledge, this variant has not been reported in the literature or in a large population database, indicating this variant is rare. At this time, the clinical significance of this variant is uncertain due to the absence of conclusive functional and genetic evidence.

Revvity Omics, Revvity
Classification: Uncertain significance for Medium-chain acyl-coenzyme A dehydrogenase deficiency. Last evaluated: 2019-05-06. Review status: criteria provided, single submitter. Criteria: ACMG Guidelines, 2015. Collection method: clinical testing. Allele origin: germline.